The following is an entry in ClinVar:

NM_005045.4(RELN):c.2234A>G (p.Lys745Arg)

Gene: RELN (reelin; minus strand). Cytogenetic location: 7q22.1.
Variant type: single nucleotide variant.
Coding change: c.2234A>G on transcript NM_005045.4 (MANE Select); coding-DNA position 2234, A replaced by G.
Protein change: p.Lys745Arg; replaces lysine 745 with arginine.
Molecular consequence: missense variant.
Genome position (GRCh38, 1-based): chr7:103,636,304, T>C on the plus strand (A>G on the coding strand, the complement: RELN is on the minus strand). VCF-style: chr7-103636304-T-C. GRCh37 (hg19) VCF-style: chr7-103276751-T-C.
Other names: c.2234A>G, p.Lys745Arg (NM_173054.3); short protein forms K745R.
Identifiers: ClinVar variation 1947749 (VCV001947749.5), dbSNP rs1832578912, ClinGen allele CA368761737.
Genomic context (GRCh38, chr7:103,636,304, plus strand): 5'-GAGCTGTCAAGGAAAGATGTAATTAGCTGACGCCGCCCATCTTTGTTGAAAACCAGGGCC[T>C]TACCACTGGCCAAGACACCACAACCAAAGCTGACTTCAGCACCACGGATAGAGTAAAAGT-3'
Protein context (NP_005036.2, residues 735-755): SFGCGVLASG[Lys745Arg]ALVFNKDGRR

ClinVar aggregate classification (germline): Uncertain significance (1 of 4 stars; one submission).

Conditions:
Norman-Roberts syndrome (LIS2). Also called: Lissencephaly 2 (Norman-Roberts type). Identifiers: Orphanet 89844, MedGen C0796089, MONDO:0009760, OMIM 257320.
Familial temporal lobe epilepsy 7. Identifiers: Orphanet 101046, MedGen C4225327, MONDO:0014639, OMIM 616436.

Allele frequency attached by ClinVar (database versions not stated): gnomAD exomes below 0.00001; gnomAD 0.00001.
gnomAD v4.1: 5 of 1,613,918 alleles (0.00031%); highest among the groups gnomAD compares: African/African-American, 0.0013%; no homozygotes.

Submission:

Labcorp Genetics (formerly Invitae), Labcorp
Classification: Uncertain significance for Familial temporal lobe epilepsy 7; Norman-Roberts syndrome. Last evaluated: 2023-07-17. Review status: criteria provided, single submitter. Criteria: Invitae Variant Classification Sherloc (09022015). Collection method: clinical testing. Allele origin: germline.
Comment: In summary, the available evidence is currently insufficient to determine the role of this variant in disease. Therefore, it has been classified as a Variant of Uncertain Significance. Advanced modeling of protein sequence and biophysical properties (such as structural, functional, and spatial information, amino acid conservation, physicochemical variation, residue mobility, and thermodynamic stability) has been performed at Invitae for this missense variant, however the output from this modeling did not meet the statistical confidence thresholds required to predict the impact of this variant on RELN protein function. ClinVar contains an entry for this variant (Variation ID: 1947749). This variant has not been reported in the literature in individuals affected with RELN-related conditions. This variant is not present in population databases (gnomAD no frequency). This sequence change replaces lysine, which is basic and polar, with arginine, which is basic and polar, at codon 745 of the RELN protein (p.Lys745Arg).